The following is an entry in ClinVar:

ClinVar aggregate classification (germline): Pathogenic (1 of 4 stars; one submission).

Conditions:
Arrhythmogenic right ventricular dysplasia 12. Also called: ARRHYTHMOGENIC RIGHT VENTRICULAR DYSPLASIA, FAMILIAL, 12. Identifiers: MedGen C1969081, MONDO:0012684, OMIM 611528.
Naxos disease (NXD). Also called: KERATOSIS PALMOPLANTARIS WITH ARRHYTHMOGENIC CARDIOMYOPATHY; MAL DE NAXOS; PALMOPLANTAR KERATODERMA WITH ARRHYTHMOGENIC RIGHT VENTRICULAR CARDIOMYOPATHY AND WOOLLY HAIR; CARDIOMYOPATHY, ARRHYTHMOGENIC RIGHT VENTRICULAR, WITH SKIN, HAIR, AND NAIL ABNORMALITIES; WOOLLY HAIR, PALMOPLANTAR KERATODERMA, AND CARDIAC ABNORMALITIES. Identifiers: Orphanet 34217, MedGen C1832600, MONDO:0011017, OMIM 601214.

Submission:

Labcorp Genetics (formerly Invitae), Labcorp
Classification: Pathogenic for Arrhythmogenic right ventricular dysplasia 12; Naxos disease. Last evaluated: 2021-06-21. Review status: criteria provided, single submitter. Criteria: Invitae Variant Classification Sherloc (09022015). Collection method: clinical testing. Allele origin: germline.
Comment: For these reasons, this variant has been classified as Pathogenic. This variant has not been reported in the literature in individuals with JUP-related conditions. This variant is not present in population databases (ExAC no frequency). This sequence change creates a premature translational stop signal (p.Gln547*) in the JUP gene. It is expected to result in an absent or disrupted protein product. Loss-of-function variants in JUP are known to be pathogenic (PMID: 10902626).

Literature cited by the submitters: PubMed 10902626.

NM_002230.4(JUP):c.1639C>T (p.Gln547Ter)

Gene: JUP (junction plakoglobin; minus strand). Cytogenetic location: 17q21.2.
Variant type: single nucleotide variant.
Coding change: c.1639C>T on transcript NM_002230.4 (MANE Select); coding-DNA position 1639, C replaced by T.
Protein change: p.Gln547Ter; replaces glutamine 547 with a stop codon.
Molecular consequence: nonsense.
Genome position (GRCh38, 1-based): chr17:41,758,729, G>A on the plus strand (C>T on the coding strand, the complement: JUP is on the minus strand). VCF-style: chr17-41758729-G-A. GRCh37 (hg19) VCF-style: chr17-39914981-G-A.
Other names: c.1639C>T, p.Gln547Ter (NM_001352773.2, NM_001352774.2, NM_001352775.2 and 3 more transcripts); short protein forms Q547*.
Identifiers: ClinVar variation 1459599 (VCV001459599.6), dbSNP rs2143456924, ClinGen allele CA399493513.